The following is an entry in ClinVar:

ClinVar aggregate classification (germline): Uncertain significance (1 of 4 stars; one submission).

Conditions:
Neuropathy, hereditary sensory and autonomic, type 2A (HSAN2A). Also called: HSAN IIA; MORVAN DISEASE; NEUROPATHY, CONGENITAL SENSORY; NEUROPATHY, HEREDITARY SENSORY RADICULAR, AUTOSOMAL RECESSIVE; NEUROPATHY, HEREDITARY SENSORY, TYPE IIA; NEUROPATHY, PROGRESSIVE SENSORY, OF CHILDREN. Identifiers: Orphanet 970, MedGen C2752089, MONDO:0024309, OMIM 201300.
Generalized epilepsy with febrile seizures plus, type 7 (GEFSP7). Also called: GEFS+, TYPE 7. Identifiers: Orphanet 36387, MedGen C2751778, MONDO:0013470, OMIM 613863.

Allele frequency attached by ClinVar (database versions not stated): gnomAD exomes below 0.00001; gnomAD 0.00001; TOPMed 0.00001.
gnomAD v4.1: 4 of 1,591,792 alleles (0.00025%); highest among the groups gnomAD compares: Non-Finnish European, 0.00034%; no homozygotes.

Submission:

Labcorp Genetics (formerly Invitae), Labcorp
Classification: Uncertain significance for Neuropathy, hereditary sensory and autonomic, type 2A; Generalized epilepsy with febrile seizures plus, type 7. Last evaluated: 2020-06-17. Review status: criteria provided, single submitter. Criteria: Invitae Variant Classification Sherloc (09022015). Collection method: clinical testing. Allele origin: germline.
Comment: This sequence change replaces methionine with valine at codon 752 of the SCN9A protein (p.Met752Val). The methionine residue is highly conserved and there is a small physicochemical difference between methionine and valine. This variant is not present in population databases (ExAC no frequency). This variant has not been reported in the literature in individuals with SCN9A-related conditions. Algorithms developed to predict the effect of missense changes on protein structure and function are either unavailable or do not agree on the potential impact of this missense change (SIFT: "Deleterious"; PolyPhen-2: "Benign"; Align-GVGD: "Class C15"). In summary, the available evidence is currently insufficient to determine the role of this variant in disease. Therefore, it has been classified as a Variant of Uncertain Significance.

NM_001365536.1(SCN9A):c.2287A>G (p.Met763Val)

Genes: SCN1A-AS1 (SCN1A and SCN9A antisense RNA 1; plus strand), SCN9A (sodium voltage-gated channel alpha subunit 9; minus strand). Cytogenetic location: 2q24.3.
Variant type: single nucleotide variant.
Coding change: c.2287A>G on transcript NM_001365536.1 (MANE Select); coding-DNA position 2287, A replaced by G.
Protein change: p.Met763Val; replaces methionine 763 with valine.
Molecular consequence: missense variant.
Genome position (GRCh38, 1-based): chr2:166,280,413, T>C on the plus strand (A>G on the coding strand, the complement: SCN9A is on the minus strand). VCF-style: chr2-166280413-T-C. GRCh37 (hg19) VCF-style: chr2-167136923-T-C.
Other names: c.2254A>G, p.Met752Val (NM_002977.4); short protein forms M752V, M763V.
Identifiers: ClinVar variation 945098 (VCV000945098.10), dbSNP rs200612128, ClinGen allele CA59796589.
Genomic context (GRCh38, chr2:166,280,413, plus strand): 5'-TTACCAAATTTCCTATAGCAAGTACATTTTTGAATTCCTCAGTCATTGGGTGGTGTTCCA[T>C]AGCCATAAATAATGTGTTTAAAACTATGCAAATGGTAATTGCAAGATCTACAAAAGGATC-3'
Protein context (NP_001352465.1, residues 753-773): CIVLNTLFMA[Met763Val]EHHPMTEEFK